The following is an entry in ClinVar:

ClinVar aggregate classification (germline): Uncertain significance (1 of 4 stars; one submission).

Conditions:
Anauxetic dysplasia. Identifiers: Orphanet 93347, MedGen C1846796, MONDO:0011773.

Submission:

Labcorp Genetics (formerly Invitae), Labcorp
Classification: Uncertain significance for Anauxetic dysplasia. Last evaluated: 2022-06-19. Review status: criteria provided, single submitter. Criteria: Invitae Variant Classification Sherloc (09022015). Collection method: clinical testing. Allele origin: germline.
Comment: This variant occurs in the RMRP gene, which encodes an RNA molecule that does not result in a protein product. This variant is present in population databases (no rsID available, gnomAD 0.02%). This variant has not been reported in the literature in individuals affected with RMRP-related conditions. Experimental studies and prediction algorithms are not available or were not evaluated, and the functional significance of this variant is currently unknown. In summary, the available evidence is currently insufficient to determine the role of this variant in disease. Therefore, it has been classified as a Variant of Uncertain Significance.

NR_003051.4(RMRP):n.230_231CG[3]

Gene: RMRP (RNA component of mitochondrial RNA processing endoribonuclease; minus strand). Cytogenetic location: 9p13.3.
Variant type: Microsatellite.
Genome position: GRCh38 VCF-style: chr9-35657785-T-TGC. GRCh37 (hg19) VCF-style: chr9-35657782-T-TGC.
Identifiers: ClinVar variation 2067548 (VCV002067548.1), dbSNP rs1192316579, ClinGen allele CA587570155.
Genomic context (GRCh38, chr9:35,657,785, plus strand): 5'-GTGAGCCGTGGTCTCGGGAACAAAAAACAGCCGCGCTGAGAATGAGCCCCGTGTGGTTGG[T>TGC]GCGCGGACACGCACTGCCTGCGTAACTAGAGGGAGCTGACGGATGACGCCCCCGCGCCAC-3'